The following is an entry in ClinVar:

ClinVar aggregate classification (germline): Uncertain significance (1 of 4 stars; one submission).

Submission:

Ambry Genetics
Classification: Uncertain significance. Last evaluated: 2023-05-21. Review status: criteria provided, single submitter. Criteria: Ambry Variant Classification Scheme 2023. Collection method: clinical testing. Allele origin: germline.
Comment: The p.S1985N variant (also known as c.5954G>A), located in coding exon 18 of the POLQ gene, results from a G to A substitution at nucleotide position 5954. The serine at codon 1985 is replaced by asparagine, an amino acid with highly similar properties. This amino acid position is conserved. In addition, this alteration is predicted to be tolerated by in silico analysis. Since supporting evidence is limited at this time, the clinical significance of this alteration remains unclear.

NM_199420.4(POLQ):c.5954G>A (p.Ser1985Asn)

Gene: POLQ (DNA polymerase theta; minus strand). Cytogenetic location: 3q13.33.
Variant type: single nucleotide variant.
Coding change: c.5954G>A on transcript NM_199420.4 (MANE Select); coding-DNA position 5954, G replaced by A.
Protein change: p.Ser1985Asn; replaces serine 1985 with asparagine.
Molecular consequence: missense variant.
Genome position (GRCh38, 1-based): chr3:121,483,402, C>T on the plus strand (G>A on the coding strand, the complement: POLQ is on the minus strand). VCF-style: chr3-121483402-C-T. GRCh37 (hg19) VCF-style: chr3-121202249-C-T.
Other names: short protein forms S1985N.
Identifiers: ClinVar variation 2563861 (VCV002563861.2), dbSNP rs2047985628, ClinGen allele CA354088427.